The following is an entry in ClinVar:

NM_001287491.2(TET3):c.2679+3G>T

Gene: TET3 (tet methylcytosine dioxygenase 3; plus strand). Cytogenetic location: 2p13.1.
Variant type: single nucleotide variant.
Coding change: c.2679+3G>T on transcript NM_001287491.2 (MANE Select); 3 bases into the intron after coding-DNA position 2679, G replaced by T.
Molecular consequence: intron variant.
Genome position (GRCh38, 1-based): chr2:74,080,594, G>T. VCF-style: chr2-74080594-G-T. GRCh37 (hg19) VCF-style: chr2-74307721-G-T.
Other names: c.2400+3G>T (NM_001366022.1).
Identifiers: ClinVar variation 5008246 (VCV005008246.1).

ClinVar aggregate classification (germline): Uncertain significance (1 of 4 stars; one submission).

Submission:

GeneDx
Classification: Uncertain significance. Last evaluated: 2026-03-03. Review status: criteria provided, single submitter. Criteria: GeneDx Variant Classification Process June 2021. Collection method: clinical testing. Allele origin: germline.
Comment: Not observed at significant frequency in large population cohorts (gnomAD); Has not been previously published as pathogenic or benign to our knowledge; In silico analysis suggests this variant may impact gene splicing. In the absence of RNA/functional studies, the actual effect of this sequence change is unknown.